The following is an entry in ClinVar:

ClinVar aggregate classification (germline): Likely pathogenic. Review status: criteria provided, multiple submitters, no conflicts (2 of 4 stars). 4 submissions from 4 submitters: Likely pathogenic (4). Last evaluated 2022-11-25.

Conditions:
Retinitis pigmentosa 43 (RP43). Identifiers: Orphanet 791, MedGen C3151139, MONDO:0013437, OMIM 613810.
PDE6A-related disorder. Also called: PDE6A-related condition.

Submissions (4):

Labcorp Genetics (formerly Invitae), Labcorp
Classification: Likely pathogenic. Last evaluated: 2022-11-25. Review status: criteria provided, single submitter. Criteria: Invitae Variant Classification Sherloc (09022015). Collection method: clinical testing. Allele origin: germline.
Comment: In summary, the currently available evidence indicates that the variant is pathogenic, but additional data are needed to prove that conclusively. Therefore, this variant has been classified as Likely Pathogenic. Algorithms developed to predict the effect of sequence changes on RNA splicing suggest that this variant may disrupt the consensus splice site. ClinVar contains an entry for this variant (Variation ID: 865804). Disruption of this splice site has been observed in individual(s) with retinitis pigmentosa (Invitae). This variant is not present in population databases (gnomAD no frequency). This sequence change affects an acceptor splice site in intron 6 of the PDE6A gene. It is expected to disrupt RNA splicing. Variants that disrupt the donor or acceptor splice site typically lead to a loss of protein function (PMID: 16199547), and loss-of-function variants in PDE6A are known to be pathogenic (PMID: 7493036, 22128245, 23847139).

Blueprint Genetics
Classification: Likely pathogenic for PDE6A-related disorders. Last evaluated: 2021-11-12. Review status: criteria provided, single submitter. Criteria: ACMG Guidelines, 2015. Collection method: clinical testing. Allele origin: germline. Affected: yes. Observed: 2 variant alleles.

Fulgent Genetics
Classification: Likely pathogenic for Retinitis pigmentosa 43. Last evaluated: 2021-10-10. Review status: criteria provided, single submitter. Criteria: ACMG Guidelines, 2015. Collection method: clinical testing. Allele origin: unknown.

Institute of Medical Genetics and Applied Genomics, University Hospital Tübingen
Classification: Likely pathogenic. Last evaluated: 2020-10-23. Review status: criteria provided, single submitter. Criteria: ACMG Guidelines, 2015. Collection method: clinical testing. Allele origin: germline. Inheritance: Autosomal recessive inheritance. Affected: yes.

Literature cited by the submitters: PubMed 16199547 (cited by Labcorp Genetics (formerly Invitae), Labcorp); PubMed 7493036 (cited by Labcorp Genetics (formerly Invitae), Labcorp); PubMed 22128245 (cited by Labcorp Genetics (formerly Invitae), Labcorp); PubMed 23847139 (cited by Labcorp Genetics (formerly Invitae), Labcorp).

NM_000440.3(PDE6A):c.999-2A>G

Gene: PDE6A (phosphodiesterase 6A; minus strand). Cytogenetic location: 5q32.
Variant type: single nucleotide variant.
Coding change: c.999-2A>G on transcript NM_000440.3 (MANE Select); the canonical splice acceptor site of the intron before coding-DNA position 999, A replaced by G.
Molecular consequence: splice acceptor variant.
Genome position (GRCh38, 1-based): chr5:149,907,380, T>C on the plus strand (A>G on the coding strand, the complement: PDE6A is on the minus strand). VCF-style: chr5-149907380-T-C. GRCh37 (hg19) VCF-style: chr5-149286943-T-C.
Other names: c.756-2A>G (NM_001410788.1).
Identifiers: ClinVar variation 865804 (VCV000865804.11), dbSNP rs1753232409, ClinGen allele CA361698880.
Genomic context (GRCh38, chr5:149,907,380, plus strand): 5'-TCTGGGCAACATAAGCTGGGAGACCGCTTACTAAAGCCCAATGGTCAGGAGGTGGATTCC[T>C]GTGAAGGCCAAAGACAAAACGGTGACTCTCAGTGCAGGGATTGCTGGACTAAAGACTAAA-3'